The following is an entry in ClinVar:

NM_000489.6(ATRX):c.1367A>G (p.Asp456Gly)

Gene: ATRX (ATRX chromatin remodeler; minus strand). Cytogenetic location: Xq21.1.
Variant type: single nucleotide variant.
Coding change: c.1367A>G on transcript NM_000489.6 (MANE Select); coding-DNA position 1367, A replaced by G.
Protein change: p.Asp456Gly; replaces aspartic acid 456 with glycine.
Molecular consequence: missense variant.
Genome position (GRCh38, 1-based): chrX:77,683,889, T>C on the plus strand (A>G on the coding strand, the complement: ATRX is on the minus strand). VCF-style: chrX-77683889-T-C. GRCh37 (hg19) VCF-style: chrX-76939381-T-C.
Other names: c.1253A>G, p.Asp418Gly (NM_138270.5); short protein forms D418G, D456G.
Identifiers: ClinVar variation 3896276 (VCV003896276.2).
Genomic context (GRCh38, chrX:77,683,889, plus strand): 5'-TGATGCATGTGCTCACTATCTACCTGTTTTCTTGAAAGTTTAGCTTCTGACTTTGAAATA[T>C]CCTTCTTTTCCAAAGCACAAGGTTTTTCTCCTTTTCGTGCTTTTGTTTCAAACTTAGCAT-3'
Protein context (NP_000480.3, residues 446-466): GEKPCALEKK[Asp456Gly]ISKSEAKLSR

ClinVar aggregate classification (germline): Uncertain significance (1 of 4 stars; one submission).

gnomAD v4.1: 4 of 1,208,729 alleles (0.00033%); highest among the groups gnomAD compares: Non-Finnish European, 0.00045%; no homozygotes.

Submission:

Women's Health and Genetics/Laboratory Corporation of America, LabCorp
Classification: Uncertain significance. Last evaluated: 2025-04-15. Review status: criteria provided, single submitter. Criteria: LabCorp Variant Classification Summary - May 2015. Collection method: clinical testing. Allele origin: germline.
Comment: Variant summary: ATRX c.1367A>G (p.Asp456Gly) results in a non-conservative amino acid change in the encoded protein sequence. Three of five in-silico tools predict a benign effect of the variant on protein function. The variant was absent in 182675 control chromosomes. The available data on variant occurrences in the general population are insufficient to allow any conclusion about variant significance. To our knowledge, no occurrence of c.1367A>G in individuals affected with ATR-X Syndrome and no experimental evidence demonstrating its impact on protein function have been reported. No submitters have cited clinical-significance assessments for this variant to ClinVar. Based on the evidence outlined above, the variant was classified as uncertain significance.